The following is an entry in ClinVar:

ClinVar aggregate classification (germline): Pathogenic/Likely pathogenic. Review status: criteria provided, multiple submitters, no conflicts (2 of 4 stars). 2 submissions from 2 submitters: Pathogenic (1); Likely pathogenic (1). Last evaluated 2026-08-28.

Conditions:
Hereditary hemorrhagic telangiectasia (HHT). Also called: Osler hemorrhagic telangiectasia syndrome; ORW DISEASE; Osler Weber Rendu syndrome; OSLER-RENDU-WEBER DISEASE. Identifiers: Orphanet 774, MedGen C0039445, MONDO:0019180. Disease mechanism: loss of function.
Cardiovascular phenotype. Identifiers: MedGen CN230736.

Submissions (2):

Ambry Genetics
Classification: Pathogenic for Cardiovascular phenotype. Last evaluated: 2026-08-28. Review status: criteria provided, single submitter. Criteria: Ambry Variant Classification Scheme 2023. Collection method: clinical testing. Allele origin: germline.
Comment: The c.991+4A>G intronic pathogenic mutation results from an A to G substitution 4 nucleotides after coding exon 7 in the ENG gene. This variant was identified in one or more individuals with features consistent with hereditary hemorrhagic telangiectasia (HHT) and segregated with disease in at least one family (Ambry internal data). RNA studies have demonstrated that this variant results in abnormal splicing in the set of samples tested (Ambry internal data). This variant is considered to be rare based on population cohorts in the Genome Aggregation Database (gnomAD). This nucleotide position is highly conserved in available vertebrate species. In silico splice site analysis for this alteration is inconclusive. Based on the supporting evidence, this variant is interpreted as a disease-causing mutation.

Labcorp Genetics (formerly Invitae), Labcorp
Classification: Likely pathogenic for Hereditary hemorrhagic telangiectasia. Last evaluated: 2025-09-30. Review status: criteria provided, single submitter. Criteria: Invitae Variant Classification Sherloc (09022015). Collection method: clinical testing. Allele origin: germline.
Comment: This sequence change falls in intron 7 of the ENG gene. It does not directly change the encoded amino acid sequence of the ENG protein. It affects a nucleotide within the consensus splice site. This variant is not present in population databases (gnomAD no frequency). This variant has been observed in individuals with clinical features of hereditary hemorrhagic telangiectasia (internal data). It has also been observed to segregate with disease in related individuals. ClinVar contains an entry for this variant (Variation ID: 1447355). Variants that disrupt the consensus splice site are a relatively common cause of aberrant splicing (PMID: 17576681, 9536098). Algorithms developed to predict the effect of sequence changes on RNA splicing suggest that this variant may disrupt the consensus splice site. In summary, the currently available evidence indicates that the variant is pathogenic, but additional data are needed to prove that conclusively. Therefore, this variant has been classified as Likely Pathogenic.

Literature cited by the submitters: PubMed 17576681 (cited by Labcorp Genetics (formerly Invitae), Labcorp); PubMed 9536098 (cited by Labcorp Genetics (formerly Invitae), Labcorp).

NM_001114753.3(ENG):c.991+4A>G

Gene: ENG (endoglin; minus strand). Cytogenetic location: 9q34.11.
Variant type: single nucleotide variant.
Coding change: c.991+4A>G on transcript NM_001114753.3 (MANE Select); 4 bases into the intron after coding-DNA position 991, A replaced by G.
Molecular consequence: intron variant.
Genome position (GRCh38, 1-based): chr9:127,824,796, T>C on the plus strand (A>G on the coding strand, the complement: ENG is on the minus strand). VCF-style: chr9-127824796-T-C. GRCh37 (hg19) VCF-style: chr9-130587075-T-C.
Other names: c.991+4A>G (NM_000118.4, NM_001406715.1); c.445+4A>G (NM_001278138.2).
Identifiers: ClinVar variation 1447355 (VCV001447355.10), dbSNP rs2131886797, ClinGen allele CA2573143993.